The following is an entry in ClinVar:

ClinVar aggregate classification (germline): Uncertain significance (1 of 4 stars; one submission).

Conditions:
Developmental and epileptic encephalopathy, 23 (DEE23). Also called: Epileptic encephalopathy, early infantile, 23. Identifiers: Orphanet 411986, MedGen C4014492, MONDO:0014371, OMIM 615859.

Allele frequency attached by ClinVar (database versions not stated): TOPMed below 0.00001; ExAC 0.00001; gnomAD exomes below 0.00001.

Submission:

Labcorp Genetics (formerly Invitae), Labcorp
Classification: Uncertain significance for Developmental and epileptic encephalopathy, 23. Last evaluated: 2021-09-24. Review status: criteria provided, single submitter. Criteria: Invitae Variant Classification Sherloc (09022015). Collection method: clinical testing. Allele origin: germline.
Comment: This sequence change replaces valine with isoleucine at codon 267 of the DOCK7 protein (p.Val267Ile). The valine residue is highly conserved and there is a small physicochemical difference between valine and isoleucine. This variant is present in population databases (rs775662715, ExAC 0.006%). This variant has not been reported in the literature in individuals with DOCK7-related conditions. Algorithms developed to predict the effect of missense changes on protein structure and function are either unavailable or do not agree on the potential impact of this missense change (SIFT: "Deleterious"; PolyPhen-2: "Possibly Damaging"; Align-GVGD: "Class C0"). In summary, the available evidence is currently insufficient to determine the role of this variant in disease. Therefore, it has been classified as a Variant of Uncertain Significance.

NM_001367561.1(DOCK7):c.799G>A (p.Val267Ile)

Gene: DOCK7 (dedicator of cytokinesis 7; minus strand). Cytogenetic location: 1p31.3.
Variant type: single nucleotide variant.
Coding change: c.799G>A on transcript NM_001367561.1 (MANE Select); coding-DNA position 799, G replaced by A.
Protein change: p.Val267Ile; replaces valine 267 with isoleucine.
Molecular consequence: missense variant.
Genome position (GRCh38, 1-based): chr1:62,647,710, C>T on the plus strand (G>A on the coding strand, the complement: DOCK7 is on the minus strand). VCF-style: chr1-62647710-C-T. GRCh37 (hg19) VCF-style: chr1-63113381-C-T.
Other names: c.799G>A, p.Val267Ile (NM_001271999.2, NM_001272000.2, NM_001272001.2 and 3 more transcripts); short protein forms V267I.
Identifiers: ClinVar variation 1469910 (VCV001469910.5), dbSNP rs775662715, ClinGen allele CA887115.
Genomic context (GRCh38, chr1:62,647,710, plus strand): 5'-CTGGAAAATAAAAGTTGTAAGTAAAAGAAATAAATACTCACTTGAGTGATAAGCATTTTA[C>T]AAGAAGTCTTTGACCAAAATGTTCTTTGGGTATATCAGGAACACTAAGCCGTTCTATTGG-3'
Protein context (NP_001354490.1, residues 257-277): PKEHFGQRLL[Val267Ile]KCLSLKFEIE